The following is an entry in ClinVar:

NM_025144.4(ALPK1):c.3343A>G (p.Ile1115Val)

Gene: ALPK1 (alpha kinase 1; plus strand). Cytogenetic location: 4q25.
Variant type: single nucleotide variant.
Coding change: c.3343A>G on transcript NM_025144.4 (MANE Select); coding-DNA position 3343, A replaced by G.
Protein change: p.Ile1115Val; replaces isoleucine 1115 with valine.
Molecular consequence: missense variant.
Genome position (GRCh38, 1-based): chr4:112,438,638, A>G. VCF-style: chr4-112438638-A-G. GRCh37 (hg19) VCF-style: chr4-113359794-A-G.
Other names: c.3343A>G, p.Ile1115Val (NM_001102406.2); c.3109A>G, p.Ile1037Val (NM_001253884.2); c.3343A>G (NM_025144.3); short protein forms I1037V, I1115V.
Identifiers: ClinVar variation 2055065 (VCV002055065.5), dbSNP rs148410610, ClinGen allele CA3047144.
Genomic context (GRCh38, chr4:112,438,638, plus strand): 5'-TTTAACAAGAGACTCTATGAACAAAACATTCCCACCCAGATATTCTACATCCCATCCACA[A>G]TACTACTGGTAAGATTATCCTGAACACATCATTTGGATCTTCCAAATCACACTTGAATAT-3'
Protein context (NP_079420.3, residues 1105-1125): PTQIFYIPST[Ile1115Val]LLILEDKTIK

ClinVar aggregate classification (germline): Conflicting classifications of pathogenicity. Review status: criteria provided, conflicting classifications (1 of 4 stars). 2 submissions from 2 submitters: Uncertain significance (1); Likely benign (1). Last evaluated 2025-12-21.

Conditions:
Inborn genetic diseases. Identifiers: MedGen C0950123, MeSH D030342.

Allele frequency attached by ClinVar (database versions not stated): ExAC 0.00005; gnomAD 0.00007; TOPMed 0.00007; ESP Exome Variant Server 0.00008; gnomAD exomes 0.00019.
gnomAD v4.1: 277 of 1,613,262 alleles (0.017%); highest among the groups gnomAD compares: Non-Finnish European, 0.022%; no homozygotes.

Submissions (2):

Labcorp Genetics (formerly Invitae), Labcorp
Classification: Uncertain significance. Last evaluated: 2025-12-21. Review status: criteria provided, single submitter. Criteria: Invitae Variant Classification Sherloc (09022015). Collection method: clinical testing. Allele origin: germline.
Comment: This sequence change replaces isoleucine, which is neutral and non-polar, with valine, which is neutral and non-polar, at codon 1115 of the ALPK1 protein (p.Ile1115Val). This variant is present in population databases (rs148410610, gnomAD 0.02%). This variant has not been reported in the literature in individuals affected with ALPK1-related conditions. ClinVar contains an entry for this variant (Variation ID: 2055065). Invitae Evidence Modeling of protein sequence and biophysical properties (such as structural, functional, and spatial information, amino acid conservation, physicochemical variation, residue mobility, and thermodynamic stability) indicates that this missense variant is not expected to disrupt ALPK1 protein function with a negative predictive value of 80%. In summary, the available evidence is currently insufficient to determine the role of this variant in disease. Therefore, it has been classified as a Variant of Uncertain Significance.

Ambry Genetics
Classification: Likely benign for Inborn genetic diseases. Last evaluated: 2025-02-25. Review status: criteria provided, single submitter. Criteria: Ambry Variant Classification Scheme 2023. Collection method: clinical testing. Allele origin: germline.